The following is an entry in ClinVar:

NM_001278716.2(FBXL4):c.1829T>G (p.Phe610Cys)

Gene: FBXL4 (F-box and leucine rich repeat protein 4; minus strand). Cytogenetic location: 6q16.1.
Variant type: single nucleotide variant.
Coding change: c.1829T>G on transcript NM_001278716.2 (MANE Select); coding-DNA position 1829, T replaced by G.
Protein change: p.Phe610Cys; replaces phenylalanine 610 with cysteine.
Molecular consequence: missense variant. On other transcripts: non-coding transcript variant (1).
Genome position (GRCh38, 1-based): chr6:98,874,315, A>C on the plus strand (T>G on the coding strand, the complement: FBXL4 is on the minus strand). VCF-style: chr6-98874315-A-C. GRCh37 (hg19) VCF-style: chr6-99322191-A-C.
Other names: c.1829T>G, p.Phe610Cys (NM_012160.5); short protein forms F610C.
Identifiers: ClinVar variation 4710145 (VCV004710145.1).

ClinVar aggregate classification (germline): Uncertain significance (1 of 4 stars; one submission).

Submission:

Labcorp Genetics (formerly Invitae), Labcorp
Classification: Uncertain significance. Last evaluated: 2025-12-11. Review status: criteria provided, single submitter. Criteria: Invitae Variant Classification Sherloc (09022015). Collection method: clinical testing. Allele origin: germline.
Comment: This sequence change replaces phenylalanine, which is neutral and non-polar, with cysteine, which is neutral and slightly polar, at codon 610 of the FBXL4 protein (p.Phe610Cys). This variant is not present in population databases (gnomAD no frequency). This variant has not been reported in the literature in individuals affected with FBXL4-related conditions. Invitae Evidence Modeling of protein sequence and biophysical properties (such as structural, functional, and spatial information, amino acid conservation, physicochemical variation, residue mobility, and thermodynamic stability) indicates that this missense variant is expected to disrupt FBXL4 protein function with a positive predictive value of 95%. In summary, the available evidence is currently insufficient to determine the role of this variant in disease. Therefore, it has been classified as a Variant of Uncertain Significance.